The following is an entry in ClinVar:

NM_000059.4(BRCA2):c.4199A>G (p.His1400Arg)

Gene: BRCA2 (BRCA2 DNA repair associated; plus strand). Cytogenetic location: 13q13.1.
Variant type: single nucleotide variant.
Coding change: c.4199A>G on transcript NM_000059.4 (MANE Select); coding-DNA position 4199, A replaced by G.
Protein change: p.His1400Arg; replaces histidine 1400 with arginine.
Molecular consequence: missense variant.
Genome position (GRCh38, 1-based): chr13:32,338,554, A>G. VCF-style: chr13-32338554-A-G. GRCh37 (hg19) VCF-style: chr13-32912691-A-G.
Other names: c.4199A>G, p.His1400Arg (NM_001406719.1, NM_001406720.1); short protein forms H1400R.
Identifiers: ClinVar variation 1738603 (VCV001738603.13), dbSNP rs1454140894, ClinGen allele CA387780202.

ClinVar aggregate classification (germline): Conflicting classifications of pathogenicity. Review status: criteria provided, conflicting classifications (1 of 4 stars). 4 submissions from 4 submitters: Uncertain significance (3); Likely benign (1). Last evaluated 2025-09-24.

Conditions:
Breast-ovarian cancer, familial, susceptibility to, 2 (BROVCA2). Also called: BRCA2 Hereditary Breast and Ovarian Cancer. Identifiers: Orphanet 145, MedGen C2675520, MONDO:0012933, OMIM 612555. Disease mechanism: loss of function.
Hereditary cancer-predisposing syndrome. Also called: Neoplastic Syndromes, Hereditary; Tumor predisposition; Hereditary Cancer Syndrome; Hereditary neoplastic syndrome. Identifiers: Orphanet 140162, MedGen C0027672, MeSH D009386, MONDO:0015356.
Hereditary breast ovarian cancer syndrome. Also called: Hereditary breast and ovarian cancer syndrome; Breast and ovarian cancer; Hereditary breast and ovarian cancer; Hereditary breast and/or ovarian cancer syndrome; BRCA1- and BRCA2-Associated Hereditary Breast and Ovarian Cancer; Hereditary breast and ovarian cancer syndrome (HBOC). Identifiers: Orphanet 145, MedGen C0677776, MeSH D061325, MONDO:0003582. Disease mechanism: loss of function.

gnomAD v4.1: 2 of 1,598,120 alleles (0.00013%); highest among the groups gnomAD compares: East Asian, 0.0022%; no homozygotes.

Submissions (4):

Labcorp Genetics (formerly Invitae), Labcorp
Classification: Uncertain significance for Hereditary breast ovarian cancer syndrome. Last evaluated: 2025-09-24. Review status: criteria provided, single submitter. Criteria: Invitae Variant Classification Sherloc (09022015). Collection method: clinical testing. Allele origin: germline.
Comment: This sequence change replaces histidine, which is basic and polar, with arginine, which is basic and polar, at codon 1400 of the BRCA2 protein (p.His1400Arg). This variant is not present in population databases (gnomAD no frequency). This variant has not been reported in the literature in individuals affected with BRCA2-related conditions. ClinVar contains an entry for this variant (Variation ID: 1738603). Invitae Evidence Modeling of protein sequence and biophysical properties (such as structural, functional, and spatial information, amino acid conservation, physicochemical variation, residue mobility, and thermodynamic stability) indicates that this missense variant is not expected to disrupt BRCA2 protein function with a negative predictive value of 95%. In summary, the available evidence is currently insufficient to determine the role of this variant in disease. Therefore, it has been classified as a Variant of Uncertain Significance.

Ambry Genetics
Classification: Uncertain significance for Hereditary cancer-predisposing syndrome. Last evaluated: 2025-07-25. Review status: criteria provided, single submitter. Criteria: Ambry Variant Classification Scheme 2023. Collection method: clinical testing. Allele origin: germline.
Comment: The p.H1400R variant (also known as c.4199A>G), located in coding exon 10 of the BRCA2 gene, results from an A to G substitution at nucleotide position 4199. The histidine at codon 1400 is replaced by arginine, an amino acid with highly similar properties. This amino acid position is not well conserved in available vertebrate species. In addition, this alteration is predicted to be tolerated by in silico analysis. Since supporting evidence is limited at this time, the clinical significance of this alteration remains unclear.

KCCC/NGS Laboratory, Kuwait Cancer Control Center
Classification: Uncertain significance for Breast-ovarian cancer, familial, susceptibility to, 2. Last evaluated: 2023-06-15. Review status: criteria provided, single submitter. Criteria: ACMG Guidelines, 2015. Collection method: clinical testing. Allele origin: unknown. Inheritance: Autosomal dominant inheritance. Affected: yes. Observed: 1 heterozygote.
Comment: a variant of uncertain significance was detected in the BRCA2 gene (c.4199A>G). This sequence change replaces histidine, which is basic and polar, with arginine, which is basic and polar, at codon 1400 of the BRCA2 protein (p.His1400Arg). This variant is not present in population databases (gnomAD no frequency) nor in our local database . This variant has not been reported in the literature in individuals affected with BRCA2-related conditions. This alteration is predicted to be tolerated by in silico analysis based on predictions from PolyPhen , BayesDel_addAF, DANN, EIGEN, FATHMM-MKL, LIST-S2, M-CAP, MutationTaster, PrimateAI ,SIFT , DEOGEN2, MVP and MutationAssessor. In summary, the available evidence is currently insufficient to determine the role of this variant in disease. Therefore, it has been classified as a Variant of Uncertain Significance.

University of Washington Department of Laboratory Medicine, University of Washington
Classification: Likely benign for Hereditary cancer-predisposing syndrome. Last evaluated: 2023-03-23. Review status: criteria provided, single submitter. Criteria: Dines et al. (Genet Med. 2020). Collection method: curation. Allele origin: germline.
Comment: Missense variant in a coldspot region where missense variants are very unlikely to be pathogenic (PMID:31911673).

BRCA2 exon 11 coldspot. Reclassification based on statistical prior probability.